The following is an entry in ClinVar:

NM_001004356.3(FGFRL1):c.676C>T (p.Arg226Cys)

Gene: FGFRL1 (fibroblast growth factor receptor like 1; plus strand). Cytogenetic location: 4p16.3.
Variant type: single nucleotide variant.
Coding change: c.676C>T on transcript NM_001004356.3 (MANE Select); coding-DNA position 676, C replaced by T.
Protein change: p.Arg226Cys; replaces arginine 226 with cysteine.
Molecular consequence: missense variant.
Genome position (GRCh38, 1-based): chr4:1,024,059, C>T. VCF-style: chr4-1024059-C-T. GRCh37 (hg19) VCF-style: chr4-1017847-C-T.
Other names: c.676C>T (NM_001004356.2); c.676C>T, p.Arg226Cys (NM_001004358.1, NM_001370296.1, NM_021923.3); short protein forms R226C.
Identifiers: ClinVar variation 1441807 (VCV001441807.7), dbSNP rs201667493, ClinGen allele CA2802795.

ClinVar aggregate classification (germline): Uncertain significance. Review status: criteria provided, multiple submitters, no conflicts (2 of 4 stars). 2 submissions from 2 submitters: Uncertain significance (2). Last evaluated 2025-10-01.

Allele frequency attached by ClinVar (database versions not stated): gnomAD 0.00002 and 0.00003; TOPMed 0.00002; gnomAD exomes 0.00003 and 0.00006; ExAC 0.00008; 1000 Genomes Project 30x 0.00031.

Submissions (2):

Labcorp Genetics (formerly Invitae), Labcorp
Classification: Uncertain significance. Last evaluated: 2025-10-01. Review status: criteria provided, single submitter. Criteria: Invitae Variant Classification Sherloc (09022015). Collection method: clinical testing. Allele origin: germline.
Comment: This sequence change replaces arginine, which is basic and polar, with cysteine, which is neutral and slightly polar, at codon 226 of the FGFRL1 protein (p.Arg226Cys). This variant is present in population databases (rs201667493, gnomAD 0.03%). This variant has not been reported in the literature in individuals affected with FGFRL1-related conditions. ClinVar contains an entry for this variant (Variation ID: 1441807). An algorithm developed to predict the effect of missense changes on protein structure and function (PolyPhen-2) suggests that this variant is likely to be tolerated. In summary, the available evidence is currently insufficient to determine the role of this variant in disease. Therefore, it has been classified as a Variant of Uncertain Significance.

Ambry Genetics
Classification: Uncertain significance. Last evaluated: 2025-07-15. Review status: criteria provided, single submitter. Criteria: Ambry Variant Classification Scheme 2023. Collection method: clinical testing. Allele origin: germline.